The following is an entry in ClinVar:

NM_006796.3(AFG3L2):c.400-2A>G

Gene: AFG3L2 (AFG3 like matrix AAA peptidase subunit 2; minus strand). Cytogenetic location: 18p11.21.
Variant type: single nucleotide variant.
Coding change: c.400-2A>G on transcript NM_006796.3 (MANE Select); the canonical splice acceptor site of the intron before coding-DNA position 400, A replaced by G.
Molecular consequence: splice acceptor variant.
Genome position (GRCh38, 1-based): chr18:12,367,119, T>C on the plus strand (A>G on the coding strand, the complement: AFG3L2 is on the minus strand). VCF-style: chr18-12367119-T-C. GRCh37 (hg19) VCF-style: chr18-12367118-T-C.
Identifiers: ClinVar variation 4987246 (VCV004987246.1).

ClinVar aggregate classification (germline): Likely pathogenic (1 of 4 stars; one submission).

Conditions:
AFG3L2-related disorder. Also called: AFG3L2-related condition.

gnomAD v4.1: 1 of 1,614,210 alleles (0.000062%); highest among the groups gnomAD compares: Non-Finnish European, 0.000085%; no homozygotes.

Submission:

PreventionGenetics, part of Exact Sciences
Classification: Likely pathogenic for AFG3L2-related condition. Last evaluated: 2024-12-09. Review status: criteria provided, single submitter. Criteria: ACMG Guidelines, 2015. Collection method: clinical testing. Allele origin: germline.
Comment: The AFG3L2 c.400-2A>G variant is predicted to disrupt the AG splice acceptor site and interfere with normal splicing. This variant is predicted to disrupt the canonical splice acceptor site at the junction of intron 4 and exon 5 based on available splicing prediction programs (SpliceAI, Jaganathan et al. 2019. PubMed ID: 30661751). To our knowledge, this variant has not been reported in the literature. This variant is reported in 0.00088% of alleles in individuals of European (Non-Finnish) descent in gnomAD. Variants that disrupt the consensus splice acceptor site in AFG3L2 are expected to be pathogenic. This variant is interpreted as likely pathogenic.